The following is an entry in ClinVar:

NM_053025.4(MYLK):c.2065G>C (p.Asp689His)

Gene: MYLK (myosin light chain kinase; minus strand). Cytogenetic location: 3q21.1.
Variant type: single nucleotide variant.
Coding change: c.2065G>C on transcript NM_053025.4 (MANE Select); coding-DNA position 2065, G replaced by C.
Protein change: p.Asp689His; replaces aspartic acid 689 with histidine.
Molecular consequence: missense variant.
Genome position (GRCh38, 1-based): chr3:123,708,773, C>G on the plus strand (G>C on the coding strand, the complement: MYLK is on the minus strand). VCF-style: chr3-123708773-C-G. GRCh37 (hg19) VCF-style: chr3-123427620-C-G.
Other names: c.2065G>C (NM_053025.3); c.1858G>C, p.Asp620His (NM_053026.4, NM_053028.4); c.2065G>C, p.Asp689His (NM_053027.4); c.1537G>C, p.Asp513His (NM_001321309.2); short protein forms D513H, D620H, D689H.
Identifiers: ClinVar variation 4750315 (VCV004750315.2).
Genomic context (GRCh38, chr3:123,708,773, plus strand): 5'-CGGCCTGGGTGCGGACCTCTCCAGCGCTGTTCCAGGCCTCGCAGGTGTACGTGCCCGTGT[C>G]CTCCGGGAACACTTCCTGGATACAAAGGCTGTGCTGAGTTCCTCTCTGTTCAAAGTGGAA-3'
Protein context (NP_444253.3, residues 679-699): SLCIQEVFPE[Asp689His]TGTYTCEAWN

ClinVar aggregate classification (germline): Uncertain significance. Review status: criteria provided, multiple submitters, no conflicts (2 of 4 stars). 2 submissions from 2 submitters: Uncertain significance (2). Last evaluated 2026-05-18.

Conditions:
Aortic aneurysm, familial thoracic 7 (AAT7). Also called: AORTIC DISSECTION, FAMILIAL, WITH OR WITHOUT AORTIC ANEURYSM. Identifiers: MedGen C3151077, MONDO:0013418, OMIM 613780.
Familial thoracic aortic aneurysm and aortic dissection (TAAD). Also called: Thoracic aortic aneurysms and dissections. Identifiers: Orphanet 91387, MedGen C4707243, MONDO:0019625.

Submissions (2):

Ambry Genetics
Classification: Uncertain significance for Familial thoracic aortic aneurysm and aortic dissection. Last evaluated: 2026-05-18. Review status: criteria provided, single submitter. Criteria: Ambry Variant Classification Scheme 2023. Collection method: clinical testing. Allele origin: germline.
Comment: The p.D689H variant (also known as c.2065G>C), located in coding exon 12 of the MYLK gene, results from a G to C substitution at nucleotide position 2065. The aspartic acid at codon 689 is replaced by histidine, an amino acid with similar properties. This amino acid position is conserved. In addition, this alteration is predicted to be deleterious by in silico analysis. Based on the available evidence, the clinical significance of this variant remains unclear.

Labcorp Genetics (formerly Invitae), Labcorp
Classification: Uncertain significance for Aortic aneurysm, familial thoracic 7. Last evaluated: 2025-10-08. Review status: criteria provided, single submitter. Criteria: Invitae Variant Classification Sherloc (09022015). Collection method: clinical testing. Allele origin: germline.
Comment: This sequence change replaces aspartic acid, which is acidic and polar, with histidine, which is basic and polar, at codon 689 of the MYLK protein (p.Asp689His). This variant is present in population databases (rs762903028, gnomAD 0.006%). This variant has not been reported in the literature in individuals affected with MYLK-related conditions. Invitae Evidence Modeling of protein sequence and biophysical properties (such as structural, functional, and spatial information, amino acid conservation, physicochemical variation, residue mobility, and thermodynamic stability) has been performed for this missense variant. However, the output from this modeling did not meet the statistical confidence thresholds required to predict the impact of this variant on MYLK protein function. In summary, the available evidence is currently insufficient to determine the role of this variant in disease. Therefore, it has been classified as a Variant of Uncertain Significance.